The following is an entry in ClinVar:

NM_005529.7(HSPG2):c.4876C>T (p.Arg1626Cys)

Gene: HSPG2 (heparan sulfate proteoglycan 2; minus strand). Cytogenetic location: 1p36.12.
Variant type: single nucleotide variant.
Coding change: c.4876C>T on transcript NM_005529.7 (MANE Select); coding-DNA position 4876, C replaced by T.
Protein change: p.Arg1626Cys; replaces arginine 1626 with cysteine.
Molecular consequence: missense variant.
Genome position (GRCh38, 1-based): chr1:21,861,836, G>A on the plus strand (C>T on the coding strand, the complement: HSPG2 is on the minus strand). VCF-style: chr1-21861836-G-A. GRCh37 (hg19) VCF-style: chr1-22188329-G-A.
Other names: c.4879C>T, p.Arg1627Cys (NM_001291860.2); short protein forms R1627C, R1626C.
Identifiers: ClinVar variation 1987764 (VCV001987764.3), dbSNP rs760559488, ClinGen allele CA672133.

ClinVar aggregate classification (germline): Uncertain significance (1 of 4 stars; one submission).

Allele frequency attached by ClinVar (database versions not stated): gnomAD 0.00001; TOPMed 0.00001; ExAC 0.00002; gnomAD exomes 0.00005.
gnomAD v4.1: 71 of 1,613,430 alleles (0.0044%); highest among the groups gnomAD compares: Non-Finnish European, 0.0056%; no homozygotes.

Submission:

Labcorp Genetics (formerly Invitae), Labcorp
Classification: Uncertain significance. Last evaluated: 2022-06-13. Review status: criteria provided, single submitter. Criteria: Invitae Variant Classification Sherloc (09022015). Collection method: clinical testing. Allele origin: germline.
Comment: In summary, the available evidence is currently insufficient to determine the role of this variant in disease. Therefore, it has been classified as a Variant of Uncertain Significance. Algorithms developed to predict the effect of missense changes on protein structure and function are either unavailable or do not agree on the potential impact of this missense change (SIFT: "Deleterious"; PolyPhen-2: "Probably Damaging"; Align-GVGD: "Class C0"). This variant has not been reported in the literature in individuals affected with HSPG2-related conditions. This variant is present in population databases (rs760559488, gnomAD 0.004%). This sequence change replaces arginine, which is basic and polar, with cysteine, which is neutral and slightly polar, at codon 1626 of the HSPG2 protein (p.Arg1626Cys).